The following is an entry in ClinVar:

ClinVar aggregate classification (germline): Benign/Likely benign. Review status: criteria provided, multiple submitters, no conflicts (2 of 4 stars). 2 submissions from 2 submitters: Benign (1); Likely benign (1). Last evaluated 2025-02-16.

Conditions:
Leigh syndrome (NULS). Also called: Leigh's necrotizing encephalopathy; Leigh's disease; Leigh Syndrome (mtDNA deletion); Leigh Disease; Subacute necrotizing encephalopathy; Necrotizing encephalopathy infantile subacute of Leigh. Identifiers: Orphanet 506, MedGen C2931891, MONDO:0009723, OMIM 256000.

Submissions (2):

Laboratory of Genetics, Children's Clinical University Hospital Latvia
Classification: Likely benign. Last evaluated: 2025-02-16. Review status: criteria provided, single submitter. Criteria: ACMG Guidelines, 2015. Collection method: clinical testing. Allele origin: germline. Affected: yes.

Wong Mito Lab, Molecular and Human Genetics, Baylor College of Medicine
Classification: Benign for Leigh syndrome. Last evaluated: 2019-10-17. Review status: criteria provided, single submitter. Criteria: Modified ACMG Guidelines (Unpublished). Collection method: clinical testing. Allele origin: germline.
Comment: The NC_012920.1:m.3434A>G (YP_003024026.1:p.Tyr43Cys) variant in MTND1 gene is interpretated to be a Benign variant based on the modified ACMG guidelines (unpublished). This variant meets the following evidence codes: BA1

NC_012920.1(MT-ND1):m.3434A>G

Gene: MT-ND1 (mitochondrially encoded NADH dehydrogenase 1; plus strand).
Variant type: single nucleotide variant.
Genome position: chrM-3434-A-G.
Identifiers: ClinVar variation 692356 (VCV000692356.2), dbSNP rs202123618, ClinGen allele CA337096530.